The following is an entry in ClinVar:

NM_001039348.3(EFEMP1):c.1165C>A (p.Leu389Met)

Gene: EFEMP1 (EGF-like fibulin extracellular matrix protein 1; minus strand). Cytogenetic location: 2p16.1.
Variant type: single nucleotide variant.
Coding change: c.1165C>A on transcript NM_001039348.3 (MANE Select); coding-DNA position 1165, C replaced by A.
Protein change: p.Leu389Met; replaces leucine 389 with methionine.
Molecular consequence: missense variant.
Genome position (GRCh38, 1-based): chr2:55,870,875, G>T on the plus strand (C>A on the coding strand, the complement: EFEMP1 is on the minus strand). VCF-style: chr2-55870875-G-T. GRCh37 (hg19) VCF-style: chr2-56098010-G-T.
Other names: c.1165C>A, p.Leu389Met (NM_001039349.3); short protein forms L389M.
Identifiers: ClinVar variation 2787492 (VCV002787492.3), dbSNP rs750455273, ClinGen allele CA1668728.
Genomic context (GRCh38, chr2:55,870,875, plus strand): 5'-CTGATGGCACAGACCTATCAGATCGGATGCTCATGTATTTGTAGACTATTGACTGGGGCA[G>T]TTCTCGGCACATGGCATTTGAGACTGGGCAAACACATCGGCTGCAGAGACAAACAAAAGT-3'
Protein context (NP_001034437.1, residues 379-399): CPVSNAMCRE[Leu389Met]PQSIVYKYMS

ClinVar aggregate classification (germline): Uncertain significance (1 of 4 stars; one submission).

Allele frequency attached by ClinVar (database versions not stated): TOPMed below 0.00001; ExAC 0.00002.

Submission:

Labcorp Genetics (formerly Invitae), Labcorp
Classification: Uncertain significance. Last evaluated: 2023-08-31. Review status: criteria provided, single submitter. Criteria: Invitae Variant Classification Sherloc (09022015). Collection method: clinical testing. Allele origin: germline.
Comment: Advanced modeling of protein sequence and biophysical properties (such as structural, functional, and spatial information, amino acid conservation, physicochemical variation, residue mobility, and thermodynamic stability) performed at Invitae indicates that this missense variant is not expected to disrupt EFEMP1 protein function. In summary, the available evidence is currently insufficient to determine the role of this variant in disease. Therefore, it has been classified as a Variant of Uncertain Significance. This variant has not been reported in the literature in individuals affected with EFEMP1-related conditions. This variant is present in population databases (rs750455273, gnomAD 0.002%). This sequence change replaces leucine, which is neutral and non-polar, with methionine, which is neutral and non-polar, at codon 389 of the EFEMP1 protein (p.Leu389Met).